The following is an entry in ClinVar:

ClinVar aggregate classification (germline): Likely benign. Review status: criteria provided, multiple submitters, no conflicts (2 of 4 stars). 3 submissions from 3 submitters: Likely benign (2). 1 of the submissions does not count toward it. Last evaluated 2025-08-20.

Conditions:
DKC1-related disorder. Also called: DKC1-related condition. Identifiers: MedGen CN294808, MONDO:0100152.
Dyskeratosis congenita. Identifiers: Orphanet 1775, MedGen C0265965, MONDO:0015780.

Allele frequency attached by ClinVar (database versions not stated): ExAC 0.00002; gnomAD exomes 0.00002; gnomAD 0.00004 and 0.00005; TOPMed 0.00005.
gnomAD v4.1: 29 of 1,206,108 alleles (0.0024%); highest among the groups gnomAD compares: Admixed American, 0.0044%; no homozygotes.

Submissions (3):

Labcorp Genetics (formerly Invitae), Labcorp
Classification: Likely benign for Dyskeratosis congenita. Last evaluated: 2025-08-20. Review status: criteria provided, single submitter. Criteria: Invitae Variant Classification Sherloc (09022015). Collection method: clinical testing. Allele origin: germline.

Blueprint Genetics
Classification: Likely benign. Last evaluated: 2024-06-27. Review status: criteria provided, single submitter. Criteria: ACMG Guidelines, 2015. Collection method: clinical testing. Allele origin: germline.

PreventionGenetics, part of Exact Sciences
Classification: Likely benign for DKC1-related condition. Last evaluated: 2024-02-01. Review status: no assertion criteria provided. Collection method: clinical testing. Allele origin: germline. Not counted in ClinVar's aggregate classification.
Comment: This variant is classified as likely benign based on ACMG/AMP sequence variant interpretation guidelines (Richards et al. 2015 PMID: 25741868, with internal and published modifications).

NM_001363.5(DKC1):c.267A>C (p.Thr89=)

Gene: DKC1 (dyskerin pseudouridine synthase 1; plus strand). Cytogenetic location: Xq28.
Variant type: single nucleotide variant.
Coding change: c.267A>C on transcript NM_001363.5 (MANE Select); coding-DNA position 267, A replaced by C.
Protein change: p.Thr89=; no amino-acid change (threonine 89 retained).
Molecular consequence: synonymous variant. On other transcripts: non-coding transcript variant (3).
Genome position (GRCh38, 1-based): chrX:154,766,219, A>C. VCF-style: chrX-154766219-A-C. GRCh37 (hg19) VCF-style: chrX-153994494-A-C.
Other names: c.267A>C, p.Thr89= (NM_001142463.3, NM_001288747.2); c.267A>C (NM_001363.4).
Identifiers: ClinVar variation 1084743 (VCV001084743.12), dbSNP rs782604353, ClinGen allele CA10567008.
Genomic context (GRCh38, chrX:154,766,219, plus strand): 5'-GTTTCACTGGAGCATTAAGAGTGGGTGATACATTAATTTTTTTTTTTTCCATTCCAGGAC[A>C]GGTTTCATTAATCTTGACAAGCCCTCTAACCCCTCTTCCCATGAGGTGGTAGCCTGGATT-3'
Protein context (NP_001354.1, residues 79-99): LKREIGDYIR[Thr89=]GFINLDKPSN